The following is an entry in ClinVar:

NM_203288.2(RP9):c.190G>A (p.Glu64Lys)

Gene: RP9 (RP9 pre-mRNA splicing factor; minus strand). Cytogenetic location: 7p14.3.
Variant type: single nucleotide variant.
Coding change: c.190G>A on transcript NM_203288.2 (MANE Select); coding-DNA position 190, G replaced by A.
Protein change: p.Glu64Lys; replaces glutamic acid 64 with lysine.
Molecular consequence: missense variant.
Genome position (GRCh38, 1-based): chr7:33,099,430, C>T on the plus strand (G>A on the coding strand, the complement: RP9 is on the minus strand). VCF-style: chr7-33099430-C-T. GRCh37 (hg19) VCF-style: chr7-33139042-C-T.
Other names: short protein forms E64K.
Identifiers: ClinVar variation 1897991 (VCV001897991.5), dbSNP rs372626834, ClinGen allele CA4213787.

ClinVar aggregate classification (germline): Uncertain significance (1 of 4 stars; one submission).

Allele frequency attached by ClinVar (database versions not stated): gnomAD exomes below 0.00001; gnomAD 0.00001; ExAC 0.00002; TOPMed 0.00003; ESP Exome Variant Server 0.00008.

Submission:

Labcorp Genetics (formerly Invitae), Labcorp
Classification: Uncertain significance. Last evaluated: 2022-06-25. Review status: criteria provided, single submitter. Criteria: Invitae Variant Classification Sherloc (09022015). Collection method: clinical testing. Allele origin: germline.
Comment: This variant has not been reported in the literature in individuals affected with RP9-related conditions. This variant is present in population databases (rs372626834, gnomAD 0.009%). This sequence change replaces glutamic acid, which is acidic and polar, with lysine, which is basic and polar, at codon 64 of the RP9 protein (p.Glu64Lys). Algorithms developed to predict the effect of missense changes on protein structure and function are either unavailable or do not agree on the potential impact of this missense change (SIFT: "Deleterious"; PolyPhen-2: "Probably Damaging"; Align-GVGD: "Class C15"). In summary, the available evidence is currently insufficient to determine the role of this variant in disease. Therefore, it has been classified as a Variant of Uncertain Significance.